The following is an entry in ClinVar:

NM_130849.4(SLC39A4):c.1287+1G>T

Gene: SLC39A4 (solute carrier family 39 member 4; minus strand). Cytogenetic location: 8q24.3.
Variant type: single nucleotide variant.
Coding change: c.1287+1G>T on transcript NM_130849.4 (MANE Select); the canonical splice donor site of the intron after coding-DNA position 1287, G replaced by T.
Molecular consequence: splice donor variant.
Genome position (GRCh38, 1-based): chr8:144,413,957, C>A on the plus strand (G>T on the coding strand, the complement: SLC39A4 is on the minus strand). VCF-style: chr8-144413957-C-A. GRCh37 (hg19) VCF-style: chr8-145639341-C-A.
Other names: c.1005+1G>T (NM_001374839.1); c.1212+1G>T (NM_017767.3).
Identifiers: ClinVar variation 1503893 (VCV001503893.8), dbSNP rs1554872740, ClinGen allele CA372619594.
Genomic context (GRCh38, chr8:144,413,957, plus strand): 5'-CTCAGTGTCCACCAGGCCCCCAGCACACCCACCCGCCGGGTACCTTCCCAAGAAGCCTGA[C>A]CTCCGGGTCCCTGGGCAGCAGGAGATTGAAGAGGTTCTCAAACAGGAAGAAGGCGTAGAG-3'

ClinVar aggregate classification (germline): Likely pathogenic (1 of 4 stars; one submission).

gnomAD v4.1: 1 of 1,610,672 alleles (0.000062%); highest among the groups gnomAD compares: Non-Finnish European, 0.000085%; no homozygotes.

Submission:

Labcorp Genetics (formerly Invitae), Labcorp
Classification: Likely pathogenic. Last evaluated: 2023-09-04. Review status: criteria provided, single submitter. Criteria: Invitae Variant Classification Sherloc (09022015). Collection method: clinical testing. Allele origin: germline.
Comment: This sequence change affects a donor splice site in intron 7 of the SLC39A4 gene. It is expected to disrupt RNA splicing. Variants that disrupt the donor or acceptor splice site typically lead to a loss of protein function (PMID: 16199547), and loss-of-function variants in SLC39A4 are known to be pathogenic (PMID: 12955721). In summary, the currently available evidence indicates that the variant is pathogenic, but additional data are needed to prove that conclusively. Therefore, this variant has been classified as Likely Pathogenic. Algorithms developed to predict the effect of sequence changes on RNA splicing suggest that this variant may disrupt the consensus splice site. ClinVar contains an entry for this variant (Variation ID: 1503893). Disruption of this splice site has been observed in individual(s) with acrodermatitis enteropathica (PMID: 21165302). This variant is not present in population databases (gnomAD no frequency).

Literature cited by the submitters: PubMed 16199547; PubMed 12955721; PubMed 21165302.